The following is an entry in ClinVar:

NM_001005242.3(PKP2):c.1539C>T (p.Asn513=)

Gene: PKP2 (plakophilin 2; minus strand). Cytogenetic location: 12p11.21.
Variant type: single nucleotide variant.
Coding change: c.1539C>T on transcript NM_001005242.3 (MANE Select); coding-DNA position 1539, C replaced by T.
Protein change: p.Asn513=; no amino-acid change (asparagine 513 retained).
Molecular consequence: synonymous variant.
Genome position (GRCh38, 1-based): chr12:32,841,045, G>A on the plus strand (C>T on the coding strand, the complement: PKP2 is on the minus strand). VCF-style: chr12-32841045-G-A. GRCh37 (hg19) VCF-style: chr12-32993979-G-A.
Other names: c.1671C>T, p.Asn557= (NM_004572.4).
Identifiers: ClinVar variation 179991 (VCV000179991.54), dbSNP rs535581825, ClinGen allele CA011296.

ClinVar aggregate classification (germline): Benign/Likely benign. Review status: criteria provided, multiple submitters, no conflicts (2 of 4 stars). 14 submissions from 14 submitters: Benign (6); Likely benign (7). 1 of the submissions does not count toward it. Last evaluated 2026-01-31.

Conditions:
Cardiovascular phenotype. Identifiers: MedGen CN230736.
Arrhythmogenic right ventricular cardiomyopathy (ARVD). Also called: Arrhythmogenic cardiomyopathy; Arrhythmogenic Right Ventricular Cardiomyopathy (ARVC); Cardiomyopathy, ARVC; Arrhythmogenic right ventricular dysplasia. Identifiers: Orphanet 247, MedGen C0349788, MeSH D019571, MONDO:0016587. Disease mechanism: loss of function. Inheritance: Various modes of inheritance.
Cardiomyopathy (CMYO). Also called: Cardiomyopathies. Identifiers: Orphanet 167848, MedGen C0878544, MONDO:0004994, HP:0001638. Inheritance: Various modes of inheritance.
Arrhythmogenic right ventricular dysplasia 9 (ARVD9). Also called: Arrhythmogenic Right Ventricular Dysplasia/Cardiomyopathy 9; ARRHYTHMOGENIC RIGHT VENTRICULAR DYSPLASIA, FAMILIAL, 9. Identifiers: MedGen C1836906, MONDO:0012180, OMIM 609040.

Allele frequency attached by ClinVar (database versions not stated): gnomAD 0.00001 and 0.00009; TOPMed 0.00002; gnomAD exomes 0.00026 and 0.00041; 1000 Genomes Project 30x 0.00047; ExAC 0.00049; 1000 Genomes Project 0.00060.
gnomAD v4.1: 399 of 1,613,282 alleles (0.025%); highest among the groups gnomAD compares: South Asian, 0.37%; 2 homozygotes.

Submissions (14):

Labcorp Genetics (formerly Invitae), Labcorp
Classification: Benign for Arrhythmogenic right ventricular dysplasia 9. Last evaluated: 2026-01-31. Review status: criteria provided, single submitter. Criteria: Invitae Variant Classification Sherloc (09022015). Collection method: clinical testing. Allele origin: germline.

Blueprint Genetics
Classification: Likely benign. Last evaluated: 2024-07-18. Review status: criteria provided, single submitter. Criteria: ACMG Guidelines, 2015. Collection method: clinical testing. Allele origin: germline.

All of Us Research Program, National Institutes of Health
Classification: Benign for Arrhythmogenic right ventricular cardiomyopathy. Last evaluated: 2024-02-05. Review status: criteria provided, single submitter. Criteria: ACMG Guidelines, 2015. Collection method: clinical testing. Allele origin: germline. Inheritance: Autosomal dominant inheritance. Observed: 20 variant alleles, 20 heterozygotes.
Comment: This study involves interpretation of variants in research participants for the purpose of population health screening. Participant phenotype was not available at the time of variant classification. Additional details can be found in publication PMID: 35346344, PMCID: PMC8962531

CeGaT Center for Human Genetics Tuebingen
Classification: Likely benign. Last evaluated: 2023-08-01. Review status: criteria provided, single submitter. Criteria: CeGaT Center For Human Genetics Tuebingen Variant Classification Criteria Version 2. Collection method: clinical testing. Allele origin: germline. Affected: yes. Observed: 1 variant allele.
Comment: PKP2: BP4, BP7

Fulgent Genetics
Classification: Likely benign for Arrhythmogenic right ventricular dysplasia 9. Last evaluated: 2021-08-20. Review status: criteria provided, single submitter. Criteria: ACMG Guidelines, 2015. Collection method: clinical testing. Allele origin: unknown.

Ambry Genetics
Classification: Benign for Cardiovascular phenotype. Last evaluated: 2020-08-13. Review status: criteria provided, single submitter. Criteria: Ambry Variant Classification Scheme 2023. Collection method: clinical testing. Allele origin: germline.

Color Diagnostics, LLC DBA Color Health
Classification: Benign for Cardiomyopathy. Last evaluated: 2018-10-08. Review status: criteria provided, single submitter. Criteria: ACMG Guidelines, 2015. Collection method: clinical testing. Allele origin: germline.

Illumina Laboratory Services, Illumina
Classification: Likely benign for Arrhythmogenic right ventricular dysplasia 9. Last evaluated: 2018-01-13. Review status: criteria provided, single submitter. Criteria: ICSL Variant Classification Criteria 13 December 2019. Collection method: clinical testing. Allele origin: germline.
Comment: This variant was observed in the ICSL laboratory as part of a predisposition screen in an ostensibly healthy population. It had not been previously curated by ICSL or reported in the Human Gene Mutation Database (HGMD: prior to June 1st, 2018), and was therefore a candidate for classification through an automated scoring system. Utilizing variant allele frequency, disease prevalence and penetrance estimates, and inheritance mode, an automated score was calculated to assess if this variant is too frequent to cause the disease. Based on the score and internal cut-off values, a variant classified as likely benign is not then subjected to further curation. The score for this variant resulted in a classification of likely benign for this disease.

Genome Diagnostics Laboratory, University Medical Center Utrecht
Classification: Benign for Arrhythmogenic right ventricular dysplasia 9. Last evaluated: 2017-07-28. Review status: criteria provided, single submitter. Criteria: ACGS Guidelines, 2013. Collection method: clinical testing. Allele origin: germline. Affected: yes. Study: VKGL Data-share Consensus.

Women's Health and Genetics/Laboratory Corporation of America, LabCorp
Classification: Benign. Last evaluated: 2017-07-10. Review status: criteria provided, single submitter. Criteria: LabCorp Variant Classification Summary - May 2015. Collection method: clinical testing. Allele origin: germline.
Comment: Variant summary: The PKP2 c.1671C>T (p.Asn557Asn) variant involves the alteration of a non-conserved nucleotide, resulting in a synonymous change. One in silico tool predicts a damaging outcome for this variant. 5/5 splice prediction tools predict no significant impact on normal splicing. However, these predictions have yet to be confirmed by functional studies. This variant was found in 60/121396 control chromosomes, predominantly observed in the South Asian subpopulation at a frequency of 0.003452 (57/16512). This frequency is about 8 times the estimated maximal expected allele frequency of a pathogenic PKP2 variant (0.0004301), suggesting this is likely a benign polymorphism found primarily in the populations of South Asian origin. In addition, multiple clinical diagnostic laboratories/reputable databases classified this variant as likely benign/benign. The variant of interest has not, to our knowledge, been reported in affected individuals via publications nor evaluated for functional impact by in vivo/vitro studies. Taken together, this variant is classified as benign.

Clinical Genetics DNA and cytogenetics Diagnostics Lab, Erasmus MC, Erasmus Medical Center
Classification: Likely benign for Arrhythmogenic right ventricular dysplasia 9. Last evaluated: 2017-06-28. Review status: criteria provided, single submitter. Criteria: ACGS Guidelines, 2013. Collection method: clinical testing. Allele origin: germline. Affected: yes. Study: VKGL Data-share Consensus.

GeneDx
Classification: Likely benign. Last evaluated: 2016-11-23. Review status: criteria provided, single submitter. Criteria: GeneDx Variant Classification (06012015). Collection method: clinical testing. Allele origin: germline. Affected: yes.
Comment: This variant is considered likely benign or benign based on one or more of the following criteria: it is a conservative change, it occurs at a poorly conserved position in the protein, it is predicted to be benign by multiple in silico algorithms, and/or has population frequency not consistent with disease.

Laboratory for Molecular Medicine, Mass General Brigham Personalized Medicine
Classification: Likely benign. Last evaluated: 2014-09-24. Review status: criteria provided, single submitter. Criteria: LMM Criteria. Collection method: clinical testing. Allele origin: germline. Observed: 2 variant alleles.
Comment: p.Asn557Asn in exon 7 of PKP2: This variant is not expected to have clinical sig nificance because it does not alter an amino acid residue and is not located wit hin the splice consensus sequence. It has been identified in 0.3% (57/16512) of South Asian chromosomes by the Exome Aggregation Consortium (ExAC.; dbSNP rs535581825).

Clinical Genetics, Academic Medical Center
Classification: Benign. Review status: no assertion criteria provided. Collection method: clinical testing. Allele origin: germline. Affected: yes. Study: VKGL Data-share Consensus. Not counted in ClinVar's aggregate classification.